The following is an entry in ClinVar:

ClinVar aggregate classification (germline): Uncertain significance (1 of 4 stars; one submission).

Allele frequency attached by ClinVar (database versions not stated): gnomAD exomes below 0.00001.
gnomAD v4.1: 1 of 1,211,183 alleles (0.000083%); highest among the groups gnomAD compares: African/African-American, 0.0017%; no homozygotes.

Submission:

Labcorp Genetics (formerly Invitae), Labcorp
Classification: Uncertain significance. Last evaluated: 2022-08-16. Review status: criteria provided, single submitter. Criteria: Invitae Variant Classification Sherloc (09022015). Collection method: clinical testing. Allele origin: germline.
Comment: This variant is not present in population databases (gnomAD no frequency). In summary, the available evidence is currently insufficient to determine the role of this variant in disease. Therefore, it has been classified as a Variant of Uncertain Significance. Algorithms developed to predict the effect of missense changes on protein structure and function (SIFT, PolyPhen-2, Align-GVGD) all suggest that this variant is likely to be tolerated. ClinVar contains an entry for this variant (Variation ID: 1389656). This variant has not been reported in the literature in individuals affected with FRMD7-related conditions. This sequence change replaces methionine, which is neutral and non-polar, with valine, which is neutral and non-polar, at codon 419 of the FRMD7 protein (p.Met419Val).

NM_194277.3(FRMD7):c.1255A>G (p.Met419Val)

Gene: FRMD7 (FERM domain containing 7; minus strand). Cytogenetic location: Xq26.2.
Variant type: single nucleotide variant.
Coding change: c.1255A>G on transcript NM_194277.3 (MANE Select); coding-DNA position 1255, A replaced by G.
Protein change: p.Met419Val; replaces methionine 419 with valine.
Molecular consequence: missense variant.
Genome position (GRCh38, 1-based): chrX:132,078,762, T>C on the plus strand (A>G on the coding strand, the complement: FRMD7 is on the minus strand). VCF-style: chrX-132078762-T-C. GRCh37 (hg19) VCF-style: chrX-131212790-T-C.
Other names: c.1210A>G, p.Met404Val (NM_001306193.2); short protein forms M404V, M419V.
Identifiers: ClinVar variation 1389656 (VCV001389656.6), dbSNP rs2124209482, ClinGen allele CA414679500.
Genomic context (GRCh38, chrX:132,078,762, plus strand): 5'-CTGAAAAAATGTCTCTGGGATCAGGGTTAGGATTGGGCTCAGTGTTAAAGACAGGGTCCA[T>C]ATAAATAAAAGGGAAAGAGGAACTGCTTTGGGACTGATGTAGCAATGTGGGATCCGCCTC-3'
Protein context (NP_919253.1, residues 409-429): QSSSSFPFIY[Met419Val]DPVFNTEPNP